The following is an entry in ClinVar:

NM_002291.3(LAMB1):c.4920C>A (p.Thr1640=)

Gene: LAMB1 (laminin subunit beta 1; minus strand). Cytogenetic location: 7q31.1.
Variant type: single nucleotide variant.
Coding change: c.4920C>A on transcript NM_002291.3 (MANE Select); coding-DNA position 4920, C replaced by A.
Protein change: p.Thr1640=; no amino-acid change (threonine 1640 retained).
Molecular consequence: synonymous variant.
Genome position (GRCh38, 1-based): chr7:107,926,327, G>T on the plus strand (C>A on the coding strand, the complement: LAMB1 is on the minus strand). VCF-style: chr7-107926327-G-T. GRCh37 (hg19) VCF-style: chr7-107566772-G-T.
Identifiers: ClinVar variation 3043192 (VCV003043192.3), dbSNP rs150786846, ClinGen allele CA4434893.
Genomic context (GRCh38, chr7:107,926,327, plus strand): 5'-CCGCTTAAGTTCTTCCACATTCCTCTCTAACTCGCTGATGCGCTGGGACGCGTTGAACAA[G>T]GTTTCCTCAGAAGCTGCTGTTTCAGACTCAATCTAAAAGCATGTCAATTTTCCAGCAAGA-3'
Protein context (NP_002282.2, residues 1630-1650): IESETAASEE[Thr1640=]LFNASQRISE

ClinVar aggregate classification (germline): Likely benign. Review status: criteria provided, single submitter (1 of 4 stars). 2 submissions from 2 submitters: Likely benign (1). 1 of the submissions does not count toward it. Last evaluated 2025-11-11.

Conditions:
LAMB1-related disorder. Also called: LAMB1-related condition.

Allele frequency attached by ClinVar (database versions not stated): ExAC 0.00006; TOPMed 0.00008; gnomAD 0.00009; ESP Exome Variant Server 0.00015.
gnomAD v4.1: 197 of 1,613,742 alleles (0.012%); highest among the groups gnomAD compares: Non-Finnish European, 0.015%; no homozygotes.

Submissions (2):

Labcorp Genetics (formerly Invitae), Labcorp
Classification: Likely benign. Last evaluated: 2025-11-11. Review status: criteria provided, single submitter. Criteria: Invitae Variant Classification Sherloc (09022015). Collection method: clinical testing. Allele origin: germline.

PreventionGenetics, part of Exact Sciences
Classification: Likely benign for LAMB1-related condition. Last evaluated: 2019-06-21. Review status: no assertion criteria provided. Collection method: clinical testing. Allele origin: germline. Not counted in ClinVar's aggregate classification.
Comment: This variant is classified as likely benign based on ACMG/AMP sequence variant interpretation guidelines (Richards et al. 2015 PMID: 25741868, with internal and published modifications).